The following is an entry in ClinVar:

NM_001039569.2(AP1S3):c.4-7del

Gene: AP1S3 (adaptor related protein complex 1 subunit sigma 3; minus strand). Cytogenetic location: 2q36.1.
Variant type: Deletion.
Coding change: c.4-7del on transcript NM_001039569.2 (MANE Select); 7 bases into the intron before coding-DNA position 4, one base deleted (G; older notation c.4-7delG).
Molecular consequence: intron variant.
Genome position (GRCh38, 1-based): chr2:223,777,876, C deleted on the plus strand (G on the coding strand, the reverse complement: AP1S3 is on the minus strand). VCF-style (leftmost placement, unchanged base first): chr2-223777875-AC-A. GRCh37 (hg19) VCF-style: chr2-224642592-AC-A.
Identifiers: ClinVar variation 3046053 (VCV003046053.3), dbSNP rs572091149, ClinGen allele CA2138428.

ClinVar aggregate classification (germline): Likely benign. Review status: criteria provided, single submitter (1 of 4 stars). 2 submissions from 2 submitters: Likely benign (1). 1 of the submissions does not count toward it. Last evaluated 2024-10-22.

Conditions:
AP1S3-related disorder. Also called: AP1S3-related condition.

Allele frequency attached by ClinVar (database versions not stated): gnomAD 0.00050; ExAC 0.00053; gnomAD exomes 0.00070; TOPMed 0.00073; ESP Exome Variant Server 0.00104.

Submissions (2):

Blueprint Genetics
Classification: Likely benign. Last evaluated: 2024-10-22. Review status: criteria provided, single submitter. Criteria: ACMG Guidelines, 2015. Collection method: clinical testing. Allele origin: germline.

PreventionGenetics, part of Exact Sciences
Classification: Likely benign for AP1S3-related condition. Last evaluated: 2019-11-18. Review status: no assertion criteria provided. Collection method: clinical testing. Allele origin: germline. Not counted in ClinVar's aggregate classification.
Comment: This variant is classified as likely benign based on ACMG/AMP sequence variant interpretation guidelines (Richards et al. 2015 PMID: 25741868, with internal and published modifications).